The following is an entry in ClinVar:

ClinVar aggregate classification (germline): Conflicting classifications of pathogenicity. Review status: criteria provided, conflicting classifications (1 of 4 stars). 2 submissions from 2 submitters: Uncertain significance (1); Likely benign (1). Last evaluated 2025-02-08.

Allele frequency attached by ClinVar (database versions not stated): gnomAD exomes 0.00001; ExAC 0.00007; gnomAD 0.00007; ESP Exome Variant Server 0.00010.

Submissions (2):

Ambry Genetics
Classification: Uncertain significance. Last evaluated: 2025-02-08. Review status: criteria provided, single submitter. Criteria: Ambry Variant Classification Scheme 2023. Collection method: clinical testing. Allele origin: germline.

CeGaT Center for Human Genetics Tuebingen
Classification: Likely benign. Last evaluated: 2022-12-01. Review status: criteria provided, single submitter. Criteria: CeGaT Center For Human Genetics Tuebingen Variant Classification Criteria Version 2. Collection method: clinical testing. Allele origin: germline. Affected: yes. Observed: 1 variant allele.
Comment: RHOXF2: BP4, BS2

NM_032498.3(RHOXF2):c.295G>A (p.Gly99Ser)

Gene: RHOXF2 (Rhox homeobox family member 2; plus strand). Cytogenetic location: Xq24.
Variant type: single nucleotide variant.
Coding change: c.295G>A on transcript NM_032498.3 (MANE Select); coding-DNA position 295, G replaced by A.
Protein change: p.Gly99Ser; replaces glycine 99 with serine.
Molecular consequence: missense variant.
Genome position (GRCh38, 1-based): chrX:120,159,230, G>A. VCF-style: chrX-120159230-G-A. GRCh37 (hg19) VCF-style: chrX-119293136-G-A.
Other names: short protein forms G99S.
Identifiers: ClinVar variation 2224034 (VCV002224034.27), dbSNP rs150161751, ClinGen allele CA10504251.